The following is an entry in ClinVar:

ClinVar aggregate classification (germline): Uncertain significance. Review status: criteria provided, multiple submitters, no conflicts (2 of 4 stars). 3 submissions from 3 submitters: Uncertain significance (3). Last evaluated 2026-09-17.

Conditions:
RP1-related disorder. Also called: RP1-related condition.

Allele frequency attached by ClinVar (database versions not stated): gnomAD 0.00013 and 0.00016; 1000 Genomes Project 30x 0.00016; 1000 Genomes Project 0.00020; gnomAD exomes 0.00001 and 0.00002; ExAC 0.00002; ESP Exome Variant Server 0.00008; TOPMed 0.00011.
gnomAD v4.1: 37 of 1,614,036 alleles (0.0023%); highest among the groups gnomAD compares: African/African-American, 0.047%; no homozygotes.

Submissions (3):

PreventionGenetics, part of Exact Sciences
Classification: Uncertain significance for RP1-related condition. Last evaluated: 2026-09-17. Review status: criteria provided, single submitter. Criteria: ACMG Guidelines, 2015. Collection method: clinical testing. Allele origin: germline.
Comment: The RP1 c.4280A>G variant is predicted to result in the amino acid substitution p.Lys1427Arg. To our knowledge, this variant has not been reported in the literature. This variant is reported in 0.040% of alleles in individuals of African descent in gnomAD. At this time, the clinical significance of this variant is uncertain due to the absence of conclusive functional and genetic evidence.

Labcorp Genetics (formerly Invitae), Labcorp
Classification: Uncertain significance. Last evaluated: 2025-08-18. Review status: criteria provided, single submitter. Criteria: Invitae Variant Classification Sherloc (09022015). Collection method: clinical testing. Allele origin: germline.
Comment: This sequence change replaces lysine, which is basic and polar, with arginine, which is basic and polar, at codon 1427 of the RP1 protein (p.Lys1427Arg). This variant is present in population databases (rs372198758, gnomAD 0.04%). This variant has not been reported in the literature in individuals affected with RP1-related conditions. ClinVar contains an entry for this variant (Variation ID: 858744). An algorithm developed to predict the effect of missense changes on protein structure and function outputs the following: PolyPhen-2: "Benign". The arginine amino acid residue is found in multiple mammalian species, which suggests that this missense change does not adversely affect protein function. In summary, the available evidence is currently insufficient to determine the role of this variant in disease. Therefore, it has been classified as a Variant of Uncertain Significance.

Blueprint Genetics
Classification: Uncertain significance. Last evaluated: 2022-06-28. Review status: criteria provided, single submitter. Criteria: ACMG Guidelines, 2015. Collection method: clinical testing. Allele origin: germline.

NM_006269.2(RP1):c.4280A>G (p.Lys1427Arg)

Gene: RP1 (RP1 axonemal microtubule associated; plus strand). Cytogenetic location: 8q12.1.
Variant type: single nucleotide variant.
Coding change: c.4280A>G on transcript NM_006269.2 (MANE Select); coding-DNA position 4280, A replaced by G.
Protein change: p.Lys1427Arg; replaces lysine 1427 with arginine.
Molecular consequence: missense variant. On other transcripts: intron variant (1).
Genome position (GRCh38, 1-based): chr8:54,628,162, A>G. VCF-style: chr8-54628162-A-G. GRCh37 (hg19) VCF-style: chr8-55540722-A-G.
Other names: c.787+5874A>G (NM_001375654.1); short protein forms K1427R.
Identifiers: ClinVar variation 858744 (VCV000858744.11), dbSNP rs372198758, ClinGen allele CA4751836.